The following is an entry in ClinVar:

ClinVar aggregate classification (germline): Uncertain significance (1 of 4 stars; one submission).

Conditions:
Hereditary cancer-predisposing syndrome. Also called: Tumor predisposition; Neoplastic Syndromes, Hereditary; Hereditary Cancer Syndrome; Hereditary neoplastic syndrome. Identifiers: Orphanet 140162, MedGen C0027672, MeSH D009386, MONDO:0015356.

Submission:

Ambry Genetics
Classification: Uncertain significance for Hereditary cancer-predisposing syndrome. Last evaluated: 2022-08-29. Review status: criteria provided, single submitter. Criteria: Ambry Variant Classification Scheme 2023. Collection method: clinical testing. Allele origin: germline.
Comment: The p.S1040F variant (also known as c.3119C>T), located in coding exon 26 of the POLE gene, results from a C to T substitution at nucleotide position 3119. The serine at codon 1040 is replaced by phenylalanine, an amino acid with highly dissimilar properties. This amino acid position is conserved. In addition, this alteration is predicted to be deleterious by in silico analysis. Since supporting evidence is limited at this time, the clinical significance of this alteration remains unclear.

NM_006231.4(POLE):c.3119C>T (p.Ser1040Phe)

Gene: POLE (DNA polymerase epsilon, catalytic subunit; minus strand). Cytogenetic location: 12q24.33.
Variant type: single nucleotide variant.
Coding change: c.3119C>T on transcript NM_006231.4 (MANE Select); coding-DNA position 3119, C replaced by T.
Protein change: p.Ser1040Phe; replaces serine 1040 with phenylalanine.
Molecular consequence: missense variant.
Genome position (GRCh38, 1-based): chr12:132,659,451, G>A on the plus strand (C>T on the coding strand, the complement: POLE is on the minus strand). VCF-style: chr12-132659451-G-A. GRCh37 (hg19) VCF-style: chr12-133236037-G-A.
Other names: short protein forms S1040F.
Identifiers: ClinVar variation 1727828 (VCV001727828.2), dbSNP rs2138677850, ClinGen allele CA387391663.